The following is an entry in ClinVar:

ClinVar aggregate classification (germline): Pathogenic (1 of 4 stars; one submission).

Submissions (3):

Dasa
Classification: Pathogenic. Last evaluated: 2026-03-19. Review status: criteria provided, single submitter. Criteria: DASA Assertion Criteria. Collection method: clinical testing. Allele origin: germline.
Comment: NM_001197104.2(KMT2A):c.4012+1G>A introduces a premature termination codon predicted to result in loss of normal protein function. Loss-of-function is an established mechanism of disease for this gene. This variant results in the same amino acid change as a previously established pathogenic variant. This variant has been reported in individuals with related phenotype (PMID: 31157197). The variant is present at low frequency in population datasets. Based on the available data, this variant is classified as pathogenic.

Dr. Peter K. Rogan Lab, Western University
No classification provided (evidence only). Condition: Malignant tumor of urinary bladder. Review status: no classification provided. Collection method: in vitro. Allele origin: not applicable. Functional consequence: retained intron. Not counted in ClinVar's aggregate classification.

MutSpliceDB: a database of splice sites variants effects on splicing, NIH
No classification provided (evidence only). Review status: no classification provided. Collection method: in vivo. Allele origin: not applicable. Functional consequence: retained intron. Not counted in ClinVar's aggregate classification.

Literature cited by the submitters: PubMed 31157197 (cited by Dasa).

NM_001197104.2(KMT2A):c.4012+1G>A

Gene: KMT2A (lysine methyltransferase 2A; plus strand). Cytogenetic location: 11q23.3.
Variant type: single nucleotide variant.
Coding change: c.4012+1G>A on transcript NM_001197104.2 (MANE Select); the canonical splice donor site of the intron after coding-DNA position 4012, G replaced by A.
Molecular consequence: splice donor variant.
Genome position (GRCh38, 1-based): chr11:118,482,093, G>A. VCF-style: chr11-118482093-G-A. GRCh37 (hg19) VCF-style: chr11-118352808-G-A.
Other names: NM_001197104.2:c.4012+1G>A; NC_000011.9:g.118352808G>A; c.4111+1G>A (NM_001412597.1); c.4012+1G>A (NM_005933.4).
Identifiers: ClinVar variation 3900612 (VCV003900612.5).